The following is an entry in ClinVar:

ClinVar aggregate classification (germline): Likely benign (0 of 4 stars; one submission).

Conditions:
TBX18-related disorder. Also called: TBX18-related condition.

Allele frequency attached by ClinVar (database versions not stated): gnomAD exomes 0.00024; gnomAD 0.00038; 1000 Genomes Project 0.00080.
gnomAD v4.1: 351 of 1,364,972 alleles (0.026%); highest among the groups gnomAD compares: Admixed American, 0.15%; no homozygotes.

Submission:

PreventionGenetics, part of Exact Sciences
Classification: Likely benign for TBX18-related condition. Last evaluated: 2019-09-10. Review status: no assertion criteria provided. Collection method: clinical testing. Allele origin: germline.
Comment: This variant is classified as likely benign based on ACMG/AMP sequence variant interpretation guidelines (Richards et al. 2015 PMID: 25741868, with internal and published modifications).

NM_001080508.3(TBX18):c.-60C>A

Gene: TBX18 (T-box transcription factor 18; minus strand). Cytogenetic location: 6q14.3.
Variant type: single nucleotide variant.
Coding change: c.-60C>A on transcript NM_001080508.3 (MANE Select); 60 bases upstream of the start codon, C replaced by A.
Molecular consequence: 5 prime UTR variant.
Genome position (GRCh38, 1-based): chr6:84,764,241, G>T on the plus strand (C>A on the coding strand, the complement: TBX18 is on the minus strand). VCF-style: chr6-84764241-G-T. GRCh37 (hg19) VCF-style: chr6-85473959-G-T.
Identifiers: ClinVar variation 3040490 (VCV003040490.2), dbSNP rs552011761, ClinGen allele CA142011799.